The following is an entry in ClinVar:

ClinVar aggregate classification (germline): Pathogenic (1 of 4 stars; one submission).

Conditions:
Primary ciliary dyskinesia. Also called: Ciliary dyskinesia. Identifiers: Orphanet 244, MedGen C0008780, MONDO:0016575, HP:0012265.

Allele frequency attached by ClinVar (database versions not stated): gnomAD exomes below 0.00001 and 0.00001.

Submission:

Labcorp Genetics (formerly Invitae), Labcorp
Classification: Pathogenic for Primary ciliary dyskinesia. Last evaluated: 2025-08-12. Review status: criteria provided, single submitter. Criteria: Invitae Variant Classification Sherloc (09022015). Collection method: clinical testing. Allele origin: germline.
Comment: This sequence change creates a premature translational stop signal (p.Asp387Metfs*2) in the CCDC39 gene. It is expected to result in an absent or disrupted protein product. Loss-of-function variants in CCDC39 are known to be pathogenic (PMID: 21131972, 23255504). This variant is present in population databases (no rsID available, gnomAD 0.001%). This variant has not been reported in the literature in individuals affected with CCDC39-related conditions. ClinVar contains an entry for this variant (Variation ID: 525358). Algorithms developed to predict the effect of sequence changes on RNA splicing suggest that this variant may disrupt the consensus splice site. For these reasons, this variant has been classified as Pathogenic.

Literature cited by the submitters: PubMed 21131972; PubMed 23255504.

NM_181426.2(CCDC39):c.1159del (p.Asp387fs)

Gene: CCDC39 (coiled-coil domain 39 molecular ruler complex subunit; minus strand). Cytogenetic location: 3q26.33.
Variant type: Deletion.
Coding change: c.1159del on transcript NM_181426.2 (MANE Select); coding-DNA position 1159, one base deleted (G; older notation c.1159delG).
Protein change: p.Asp387fs; shifts the reading frame from aspartic acid 387.
Molecular consequence: frameshift variant.
Genome position (GRCh38, 1-based): chr3:180,651,409, C deleted on the plus strand (G on the coding strand, the reverse complement: CCDC39 is on the minus strand). VCF-style (leftmost placement, unchanged base first): chr3-180651408-TC-T. GRCh37 (hg19) VCF-style: chr3-180369196-TC-T.
Other names: short protein forms D387fs.
Identifiers: ClinVar variation 525358 (VCV000525358.7), dbSNP rs1275367324, ClinGen allele CA548336865.
Genomic context (GRCh38, chr3:180,651,408, plus strand): 5'-TCACTGTTGCTAAATTTTCTGTGATTTAAAGAAAAATTAAAACTAAACTTTACCTTCACA[TC>T]TTTTTCCTCCTCCTTTAGCATATCTTCCAAATTAGTAGCTTTCTCTTCTACAGACATGGT-3'